The following is an entry in ClinVar:

ClinVar aggregate classification (germline): Uncertain significance. Review status: criteria provided, multiple submitters, no conflicts (2 of 4 stars). 3 submissions from 3 submitters: Uncertain significance (3). Last evaluated 2026-04-24.

Conditions:
Inborn genetic diseases. Identifiers: MedGen C0950123, MeSH D030342.

Allele frequency attached by ClinVar (database versions not stated): ExAC 0.00003.
gnomAD v4.1: 60 of 1,612,946 alleles (0.0037%); highest among the groups gnomAD compares: Admixed American, 0.0083%; no homozygotes.

Submissions (3):

GeneDx
Classification: Uncertain significance. Last evaluated: 2026-04-24. Review status: criteria provided, single submitter. Criteria: GeneDx Variant Classification Process June 2021. Collection method: clinical testing. Allele origin: germline.
Comment: In silico analysis suggests that this missense variant does not alter protein structure/function; Has not been previously published as pathogenic or benign to our knowledge

Ambry Genetics
Classification: Uncertain significance for Inborn genetic diseases. Last evaluated: 2024-01-29. Review status: criteria provided, single submitter. Criteria: Ambry Variant Classification Scheme 2023. Collection method: clinical testing. Allele origin: germline.

Labcorp Genetics (formerly Invitae), Labcorp
Classification: Uncertain significance. Last evaluated: 2022-02-06. Review status: criteria provided, single submitter. Criteria: Invitae Variant Classification Sherloc (09022015). Collection method: clinical testing. Allele origin: germline.
Comment: This sequence change replaces aspartic acid, which is acidic and polar, with asparagine, which is neutral and polar, at codon 1014 of the OTOF protein (p.Asp1014Asn). This variant is present in population databases (rs199771991, gnomAD 0.009%). This variant has not been reported in the literature in individuals affected with OTOF-related conditions. Algorithms developed to predict the effect of missense changes on protein structure and function output the following: SIFT: "Deleterious"; PolyPhen-2: "Benign"; Align-GVGD: "Class C0". The asparagine amino acid residue is found in multiple mammalian species, which suggests that this missense change does not adversely affect protein function. In summary, the available evidence is currently insufficient to determine the role of this variant in disease. Therefore, it has been classified as a Variant of Uncertain Significance.

NM_194248.3(OTOF):c.3040G>A (p.Asp1014Asn)

Gene: OTOF (otoferlin; minus strand). Cytogenetic location: 2p23.3.
Variant type: single nucleotide variant.
Coding change: c.3040G>A on transcript NM_194248.3 (MANE Select); coding-DNA position 3040, G replaced by A.
Protein change: p.Asp1014Asn; replaces aspartic acid 1014 with asparagine.
Molecular consequence: missense variant.
Genome position (GRCh38, 1-based): chr2:26,475,445, C>T on the plus strand (G>A on the coding strand, the complement: OTOF is on the minus strand). VCF-style: chr2-26475445-C-T. GRCh37 (hg19) VCF-style: chr2-26698313-C-T.
Other names: c.3040G>A (NM_194248.2); c.3040G>A, p.Asp1014Asn (NM_001287489.2); c.799G>A, p.Asp267Asn (NM_004802.4, NM_194323.3); c.970G>A, p.Asp324Asn (NM_194322.3); short protein forms D1014N, D267N, D324N.
Identifiers: ClinVar variation 2050500 (VCV002050500.4), dbSNP rs199771991, ClinGen allele CA1563670.